The following is an entry in ClinVar:

ClinVar aggregate classification (germline): Uncertain significance. Review status: criteria provided, multiple submitters, no conflicts (2 of 4 stars). 2 submissions from 2 submitters: Uncertain significance (2). Last evaluated 2025-06-30.

Conditions:
Familial thoracic aortic aneurysm and aortic dissection (TAAD). Also called: Thoracic aortic aneurysms and dissections. Identifiers: Orphanet 91387, MedGen C4707243, MONDO:0019625.
Aortic aneurysm, familial thoracic 4 (AAT4). Also called: AORTIC ANEURYSM/AORTIC DISSECTION AND PATENT DUCTUS ARTERIOSUS. Identifiers: MedGen C1851504, MONDO:0007568, OMIM 132900.

Allele frequency attached by ClinVar (database versions not stated): gnomAD exomes below 0.00001.
gnomAD v4.1: 5 of 1,614,138 alleles (0.00031%); highest among the groups gnomAD compares: Non-Finnish European, 0.00042%; no homozygotes.

Submissions (2):

Color Diagnostics, LLC DBA Color Health
Classification: Uncertain significance for Familial thoracic aortic aneurysm and aortic dissection. Last evaluated: 2025-06-30. Review status: criteria provided, single submitter. Criteria: ACMG Guidelines, 2015. Collection method: clinical testing. Allele origin: germline.
Comment: This missense variant replaces alanine with threonine at codon 1139 of the MYH11 protein. Computational prediction suggests that this variant may not impact protein structure and function. To our knowledge, functional studies have not been reported for this variant. This variant has not been reported in individuals affected with MYH11-related disorders in the literature. This variant has been identified in 1/251484 chromosomes in the general population by the Genome Aggregation Database (gnomAD). The available evidence is insufficient to determine the role of this variant in disease conclusively. Therefore, this variant is classified as a Variant of Uncertain Significance.

Labcorp Genetics (formerly Invitae), Labcorp
Classification: Uncertain significance for Aortic aneurysm, familial thoracic 4. Last evaluated: 2021-08-12. Review status: criteria provided, single submitter. Criteria: Invitae Variant Classification Sherloc (09022015). Collection method: clinical testing. Allele origin: germline.
Comment: This sequence change replaces alanine with threonine at codon 1139 of the MYH11 protein (p.Ala1139Thr). The alanine residue is highly conserved and there is a small physicochemical difference between alanine and threonine. This variant is not present in population databases (ExAC no frequency). This missense change has been observed in individual(s) with clinical features of MYH11-related conditions (Invitae). Algorithms developed to predict the effect of missense changes on protein structure and function are either unavailable or do not agree on the potential impact of this missense change (SIFT: "Deleterious"; PolyPhen-2: "Benign"; Align-GVGD: "Class C0"). In summary, the available evidence is currently insufficient to determine the role of this variant in disease. Therefore, it has been classified as a Variant of Uncertain Significance.

NM_002474.3(MYH11):c.3394G>A (p.Ala1132Thr)

Gene: MYH11 (myosin heavy chain 11; minus strand). Cytogenetic location: 16p13.11.
Variant type: single nucleotide variant.
Coding change: c.3394G>A on transcript NM_002474.3 (MANE Select); coding-DNA position 3394, G replaced by A.
Protein change: p.Ala1132Thr; replaces alanine 1132 with threonine.
Molecular consequence: missense variant.
Genome position (GRCh38, 1-based): chr16:15,735,478, C>T on the plus strand (G>A on the coding strand, the complement: MYH11 is on the minus strand). VCF-style: chr16-15735478-C-T. GRCh37 (hg19) VCF-style: chr16-15829335-C-T.
Other names: c.3415G>A, p.Ala1139Thr (NM_001040113.2, NM_001040114.2); c.3394G>A, p.Ala1132Thr (NM_022844.3); short protein forms A1139T, A1132T.
Identifiers: ClinVar variation 534155 (VCV000534155.7), dbSNP rs1409752157, ClinGen allele CA394861967.